The following is an entry in ClinVar:

ClinVar aggregate classification (germline): Uncertain significance (1 of 4 stars; one submission).

Submission:

Labcorp Genetics (formerly Invitae), Labcorp
Classification: Uncertain significance. Last evaluated: 2023-02-19. Review status: criteria provided, single submitter. Criteria: Invitae Variant Classification Sherloc (09022015). Collection method: clinical testing. Allele origin: germline.
Comment: In summary, the available evidence is currently insufficient to determine the role of this variant in disease. Therefore, it has been classified as a Variant of Uncertain Significance. An algorithm developed to predict the effect of missense changes on protein structure and function (PolyPhen-2) suggests that this variant is likely to be tolerated. This variant has not been reported in the literature in individuals affected with NEK2-related conditions. This variant is not present in population databases (gnomAD no frequency). This sequence change replaces threonine, which is neutral and polar, with alanine, which is neutral and non-polar, at codon 121 of the NEK2 protein (p.Thr121Ala).

NM_002497.4(NEK2):c.361A>G (p.Thr121Ala)

Gene: NEK2 (NIMA related kinase 2; minus strand). Cytogenetic location: 1q32.3.
Variant type: single nucleotide variant.
Coding change: c.361A>G on transcript NM_002497.4 (MANE Select); coding-DNA position 361, A replaced by G.
Protein change: p.Thr121Ala; replaces threonine 121 with alanine.
Molecular consequence: missense variant.
Genome position (GRCh38, 1-based): chr1:211,673,677, T>C on the plus strand (A>G on the coding strand, the complement: NEK2 is on the minus strand). VCF-style: chr1-211673677-T-C. GRCh37 (hg19) VCF-style: chr1-211847019-T-C.
Other names: c.361A>G, p.Thr121Ala (NM_001204182.2, NM_001204183.2); short protein forms T121A.
Identifiers: ClinVar variation 2839034 (VCV002839034.3), dbSNP rs1558230519, ClinGen allele CA344784270.
Genomic context (GRCh38, chr1:211,673,677, plus strand): 5'-CCCGATGCAATACGGTATGACCACCATCACTTCGTCTGTGGCATTCCTTCAGGGCCAGAG[T>C]CAACTGAGTCATCACTCGAAGAACAAACTCTTCATCTAAGTATTGCCTAAAACCAAAGCA-3'
Protein context (NP_002488.1, residues 111-131): EFVLRVMTQL[Thr121Ala]LALKECHRRS